The following is an entry in ClinVar:

NM_001182.5(ALDH7A1):c.193-92T>A

Gene: ALDH7A1 (aldehyde dehydrogenase 7 family member A1; minus strand). Cytogenetic location: 5q23.2.
Variant type: single nucleotide variant.
Coding change: c.193-92T>A on transcript NM_001182.5 (MANE Select); 92 bases into the intron before coding-DNA position 193, T replaced by A.
Molecular consequence: intron variant.
Genome position (GRCh38, 1-based): chr5:126,593,496, A>T on the plus strand (T>A on the coding strand, the complement: ALDH7A1 is on the minus strand). VCF-style: chr5-126593496-A-T. GRCh37 (hg19) VCF-style: chr5-125929188-A-T.
Other names: c.193-92T>A (NM_001202404.2); c.109-92T>A (NM_001201377.2).
Identifiers: ClinVar variation 673183 (VCV000673183.1), dbSNP rs77894478, ClinGen allele CA3389888.

ClinVar aggregate classification (germline): Benign (1 of 4 stars; one submission).

Allele frequency attached by ClinVar (database versions not stated): gnomAD exomes 0.02387 and 0.03056; ExAC 0.03366; gnomAD 0.05840 and 0.06120; 1000 Genomes Project 0.06150; 1000 Genomes Project 30x 0.06371; TOPMed 0.06502.
gnomAD v4.1: 42,624 of 1,546,308 alleles (2.8%); highest among the groups gnomAD compares: African/African-American, 15%; 1,314 homozygotes.

Submission:

GeneDx
Classification: Benign. Last evaluated: 2018-06-14. Review status: criteria provided, single submitter. Criteria: GeneDx Variant Classification (06012015). Collection method: clinical testing. Allele origin: germline. Affected: yes.
Comment: This variant is considered likely benign or benign based on one or more of the following criteria: it is a conservative change, it occurs at a poorly conserved position in the protein, it is predicted to be benign by multiple in silico algorithms, and/or has population frequency not consistent with disease.